The following is an entry in ClinVar:

NM_005359.6(SMAD4):c.*10C>T

Gene: SMAD4 (SMAD family member 4; plus strand). Cytogenetic location: 18q21.2.
Variant type: single nucleotide variant.
Coding change: c.*10C>T on transcript NM_005359.6 (MANE Select); 10 bases downstream of the stop codon, C replaced by T.
Molecular consequence: 3 prime UTR variant.
Genome position (GRCh38, 1-based): chr18:51,078,477, C>T. VCF-style: chr18-51078477-C-T. GRCh37 (hg19) VCF-style: chr18-48604847-C-T.
Other names: c.*10C>T (NM_001407041.1, NM_001407042.1).
Identifiers: ClinVar variation 1764421 (VCV001764421.3), dbSNP rs2144479975, ClinGen allele CA2580095860.

ClinVar aggregate classification (germline): Conflicting classifications of pathogenicity. Review status: criteria provided, conflicting classifications (1 of 4 stars). 2 submissions from 2 submitters: Uncertain significance (1); Benign (1). Last evaluated 2025-03-24.

Conditions:
Familial thoracic aortic aneurysm and aortic dissection (TAAD). Also called: Thoracic aortic aneurysms and dissections. Identifiers: Orphanet 91387, MedGen C4707243, MONDO:0019625.
Hereditary cancer-predisposing syndrome. Also called: Hereditary neoplastic syndrome; Neoplastic Syndromes, Hereditary; Tumor predisposition; Hereditary Cancer Syndrome. Identifiers: Orphanet 140162, MedGen C0027672, MeSH D009386, MONDO:0015356.
Juvenile polyposis/hereditary hemorrhagic telangiectasia syndrome (JPHT). Also called: JP/HHT SYNDROME; JUVENILE POLYPOSIS WITH HEREDITARY HEMORRHAGIC TELANGIECTASIA; POLYPOSIS, GENERALIZED JUVENILE, WITH PULMONARY ARTERIOVENOUS MALFORMATION; TELANGIECTASIA, HEREDITARY HEMORRHAGIC, WITH JUVENILE POLYPOSIS COLI; Juvenile Polyposis Syndrome / Hereditary Hemorrhagic Telangiectasia (JPS/HHT). Identifiers: Orphanet 2929, MedGen C1832942, MONDO:0008278, OMIM 175050.

Submissions (2):

Myriad Genetics, Inc.
Classification: Benign for Juvenile polyposis/hereditary hemorrhagic telangiectasia syndrome. Last evaluated: 2025-03-24. Review status: criteria provided, single submitter. Criteria: Myriad Autosomal Dominant, Autosomal Recessive and X-Linked Classification Criteria (2023). Collection method: clinical testing. Allele origin: unknown.
Comment: This variant is considered benign. This variant occurs in the non-coding 3' untranslated region of the gene, and is not expected to impact protein function.

Ambry Genetics
Classification: Uncertain significance for Hereditary cancer-predisposing syndrome; Familial thoracic aortic aneurysm and aortic dissection. Last evaluated: 2015-06-15. Review status: criteria provided, single submitter. Criteria: Ambry Variant Classification Scheme 2023. Collection method: clinical testing. Allele origin: germline.
Comment: The c.*10C>T variant is located in the 3' untranslated region (3&rsquo; UTR) of the SMAD4 gene. This variant results from a C to T substitution 10 nucleotides after the last translated codon. This variant was not reported in population based cohorts in the following databases: Database of Single Nucleotide Polymorphisms (dbSNP), NHLBI Exome Sequencing Project (ESP), and 1000 Genomes Project. In the ESP, this variant was not observed in 6503 samples (13006 alleles) with coverage at this position. This nucleotide position is well conserved in available vertebrate species. Since supporting evidence is limited at this time, the clinical significance of this variant remains unclear.